The following is an entry in ClinVar:

NM_005546.4(ITK):c.326-630dup

Gene: ITK (IL2 inducible T cell kinase; plus strand). Cytogenetic location: 5q33.3.
Variant type: Duplication.
Coding change: c.326-630dup on transcript NM_005546.4 (MANE Select); 630 bases into the intron before coding-DNA position 326, one base duplicated (T; older notation c.326-630dupT).
Molecular consequence: intron variant.
Genome position (GRCh38, 1-based): chr5:157,213,561, T duplicated; the last of 9 consecutive T bases (chr5:157,213,553-157,213,561); duplicating any one gives the same sequence. VCF-style (leftmost placement, unchanged base first): chr5-157213552-C-CT. GRCh37 (hg19) VCF-style: chr5-156640563-C-CT.
Identifiers: ClinVar variation 2628137 (VCV002628137.2), dbSNP rs143962660, ClinGen allele CA3532713.

ClinVar aggregate classification (germline): Benign (1 of 4 stars; one submission).

Submission:

Unidad de Genómica Garrahan, Hospital de Pediatría Garrahan
Classification: Benign. Last evaluated: 2023-11-12. Review status: criteria provided, single submitter. Criteria: ACMG Guidelines, 2015. Collection method: clinical testing. Allele origin: germline. Affected: no. Observed: 64 variant alleles.
Comment: This variant is classified as Benign based on local population frequency. This variant was detected in 67% of patients studied by a panel of primary immunodeficiencies. Number of patients: 64. Only high quality variants are reported.